The following is an entry in ClinVar:

ClinVar aggregate classification (germline): Uncertain significance. Review status: criteria provided, multiple submitters, no conflicts (2 of 4 stars). 2 submissions from 2 submitters: Uncertain significance (2). Last evaluated 2024-08-16.

Allele frequency attached by ClinVar (database versions not stated): TOPMed below 0.00001.

Submissions (2):

Blueprint Genetics
Classification: Uncertain significance. Last evaluated: 2024-08-16. Review status: criteria provided, single submitter. Criteria: ACMG Guidelines, 2015. Collection method: clinical testing. Allele origin: germline.

Labcorp Genetics (formerly Invitae), Labcorp
Classification: Uncertain significance. Last evaluated: 2022-06-05. Review status: criteria provided, single submitter. Criteria: Invitae Variant Classification Sherloc (09022015). Collection method: clinical testing. Allele origin: germline.
Comment: In summary, the available evidence is currently insufficient to determine the role of this variant in disease. Therefore, it has been classified as a Variant of Uncertain Significance. Variants that disrupt the consensus splice site are a relatively common cause of aberrant splicing (PMID: 17576681, 9536098). Algorithms developed to predict the effect of sequence changes on RNA splicing suggest that this variant may create or strengthen a splice site. ClinVar contains an entry for this variant (Variation ID: 1386714). This variant has not been reported in the literature in individuals affected with PITPNM3-related conditions. This variant is not present in population databases (gnomAD no frequency). This sequence change falls in intron 5 of the PITPNM3 gene. It does not directly change the encoded amino acid sequence of the PITPNM3 protein. It affects a nucleotide within the consensus splice site.

Literature cited by the submitters: PubMed 17576681 (cited by Labcorp Genetics (formerly Invitae), Labcorp); PubMed 9536098 (cited by Labcorp Genetics (formerly Invitae), Labcorp).

NM_031220.4(PITPNM3):c.351+3A>C

Gene: PITPNM3 (PITPNM family member 3; minus strand). Cytogenetic location: 17p13.2.
Variant type: single nucleotide variant.
Coding change: c.351+3A>C on transcript NM_031220.4 (MANE Select); 3 bases into the intron after coding-DNA position 351, A replaced by C.
Molecular consequence: intron variant.
Genome position (GRCh38, 1-based): chr17:6,484,213, T>G on the plus strand (A>C on the coding strand, the complement: PITPNM3 is on the minus strand). VCF-style: chr17-6484213-T-G. GRCh37 (hg19) VCF-style: chr17-6387533-T-G.
Other names: c.243+3A>C (NM_001165966.2).
Identifiers: ClinVar variation 1386714 (VCV001386714.7), dbSNP rs1167045699, ClinGen allele CA774099397.